The following is an entry in ClinVar:

NM_016006.6(ABHD5):c.638G>C (p.Gly213Ala)

Gene: ABHD5 (abhydrolase domain containing 5, lysophosphatidic acid acyltransferase; plus strand). Cytogenetic location: 3p21.33.
Variant type: single nucleotide variant.
Coding change: c.638G>C on transcript NM_016006.6 (MANE Select); coding-DNA position 638, G replaced by C.
Protein change: p.Gly213Ala; replaces glycine 213 with alanine.
Molecular consequence: missense variant. On other transcripts: non-coding transcript variant (1).
Genome position (GRCh38, 1-based): chr3:43,711,840, G>C. VCF-style: chr3-43711840-G-C. GRCh37 (hg19) VCF-style: chr3-43753332-G-C.
Other names: c.638G>C, p.Gly213Ala (NM_001355186.2, NM_001365650.1); c.515G>C, p.Gly172Ala (NM_001365649.1); short protein forms G213A, G172A.
Identifiers: ClinVar variation 1904601 (VCV001904601.5), dbSNP rs757584051, ClinGen allele CA2341387.

ClinVar aggregate classification (germline): Uncertain significance (1 of 4 stars; one submission).

Allele frequency attached by ClinVar (database versions not stated): ExAC 0.00001; gnomAD 0.00001; gnomAD exomes 0.00001; TOPMed 0.00001.
gnomAD v4.1: 14 of 1,614,052 alleles (0.00087%); highest among the groups gnomAD compares: East Asian, 0.0067%; no homozygotes.

Submission:

Labcorp Genetics (formerly Invitae), Labcorp
Classification: Uncertain significance. Last evaluated: 2022-03-22. Review status: criteria provided, single submitter. Criteria: Invitae Variant Classification Sherloc (09022015). Collection method: clinical testing. Allele origin: germline.
Comment: In summary, the available evidence is currently insufficient to determine the role of this variant in disease. Therefore, it has been classified as a Variant of Uncertain Significance. Algorithms developed to predict the effect of missense changes on protein structure and function (SIFT, PolyPhen-2, Align-GVGD) all suggest that this variant is likely to be tolerated. This variant has not been reported in the literature in individuals affected with ABHD5-related conditions. This variant is present in population databases (rs757584051, gnomAD 0.02%). This sequence change replaces glycine, which is neutral and non-polar, with alanine, which is neutral and non-polar, at codon 213 of the ABHD5 protein (p.Gly213Ala).